The following is an entry in ClinVar:

ClinVar aggregate classification (germline): Likely pathogenic (1 of 4 stars; one submission).

Conditions:
Cohen syndrome (COH1). Also called: PEPPER SYNDROME; Cutis verticis gyrata, retinitis pigmentosa, and sensorineural deafness. Identifiers: Orphanet 193, MedGen C0265223, MONDO:0008999, OMIM 216550.

Submission:

Labcorp Genetics (formerly Invitae), Labcorp
Classification: Likely pathogenic for Cohen syndrome. Last evaluated: 2021-08-12. Review status: criteria provided, single submitter. Criteria: Invitae Variant Classification Sherloc (09022015). Collection method: clinical testing. Allele origin: germline.
Comment: This variant is not present in population databases (ExAC no frequency). This sequence change affects an acceptor splice site in intron 20 of the VPS13B gene. It is expected to disrupt RNA splicing. Variants that disrupt the donor or acceptor splice site typically lead to a loss of protein function (PMID: 16199547), and loss-of-function variants in VPS13B are known to be pathogenic (PMID: 15141358, 16648375, 20461111). This variant has not been reported in the literature in individuals affected with VPS13B-related conditions. Algorithms developed to predict the effect of sequence changes on RNA splicing suggest that this variant may disrupt the consensus splice site. In summary, the currently available evidence indicates that the variant is pathogenic, but additional data are needed to prove that conclusively. Therefore, this variant has been classified as Likely Pathogenic.

Literature cited by the submitters: PubMed 16199547; PubMed 15141358; PubMed 16648375; PubMed 20461111.

NM_152564.5(VPS13B):c.2935-1G>A

Gene: VPS13B (vacuolar protein sorting 13 homolog B; plus strand). Cytogenetic location: 8q22.2.
Variant type: single nucleotide variant.
Coding change: c.2935-1G>A on transcript NM_152564.5 (MANE Select); the canonical splice acceptor site of the intron before coding-DNA position 2935, G replaced by A.
Molecular consequence: splice acceptor variant.
Genome position (GRCh38, 1-based): chr8:99,391,556, G>A. VCF-style: chr8-99391556-G-A. GRCh37 (hg19) VCF-style: chr8-100403784-G-A.
Other names: c.2935-1G>A (NM_017890.5).
Identifiers: ClinVar variation 1510052 (VCV001510052.6), dbSNP rs2133312466, ClinGen allele CA371865563.
Genomic context (GRCh38, chr8:99,391,556, plus strand): 5'-GCTGCTTAAGAAATAGTGAAAAACTAAAAACTAAAAAGGTTTTCATTTTGTCTCTTTCCA[G>A]CAGCCTGTGGTAGCTGTTCCTCTTGTTATGCCAGTTTGTAGAAGGAAAGAGGATGAGGTG-3'